The following is an entry in ClinVar:

NM_000843.4(GRM6):c.1838C>A (p.Thr613Lys)

Genes: GRM6 (glutamate metabotropic receptor 6; minus strand), ZNF454 (zinc finger protein 454; plus strand). Cytogenetic location: 5q35.3.
Variant type: single nucleotide variant.
Coding change: c.1838C>A on transcript NM_000843.4 (MANE Select); coding-DNA position 1838, C replaced by A.
Protein change: p.Thr613Lys; replaces threonine 613 with lysine.
Molecular consequence: missense variant.
Genome position (GRCh38, 1-based): chr5:178,986,416, G>T on the plus strand (C>A on the coding strand, the complement: GRM6 is on the minus strand). VCF-style: chr5-178986416-G-T. GRCh37 (hg19) VCF-style: chr5-178413417-G-T.
Other names: short protein forms T613K.
Identifiers: ClinVar variation 1002827 (VCV001002827.8), dbSNP rs61733044, ClinGen allele CA362427056.

ClinVar aggregate classification (germline): Uncertain significance (1 of 4 stars; one submission).

Submission:

Labcorp Genetics (formerly Invitae), Labcorp
Classification: Uncertain significance. Last evaluated: 2020-05-08. Review status: criteria provided, single submitter. Criteria: Invitae Variant Classification Sherloc (09022015). Collection method: clinical testing. Allele origin: germline.
Comment: In summary, the available evidence is currently insufficient to determine the role of this variant in disease. Therefore, it has been classified as a Variant of Uncertain Significance. Algorithms developed to predict the effect of missense changes on protein structure and function (SIFT, PolyPhen-2, Align-GVGD) all suggest that this variant is likely to be disruptive, but these predictions have not been confirmed by published functional studies and their clinical significance is uncertain. This variant has not been reported in the literature in individuals with GRM6-related conditions. This variant is not present in population databases (ExAC no frequency). This sequence change replaces threonine with lysine at codon 613 of the GRM6 protein (p.Thr613Lys). The threonine residue is highly conserved and there is a moderate physicochemical difference between threonine and lysine.